The following is an entry in ClinVar:

ClinVar aggregate classification (germline): Likely benign. Review status: criteria provided, multiple submitters, no conflicts (2 of 4 stars). 2 submissions from 2 submitters: Likely benign (2). Last evaluated 2024-03-01.

Conditions:
Carnitine acylcarnitine translocase deficiency (CACTD). Identifiers: Orphanet 159, MedGen C0342791, MONDO:0008918, OMIM 212138.

Allele frequency attached by ClinVar (database versions not stated): gnomAD exomes 0.00001.

Submissions (2):

CeGaT Center for Human Genetics Tuebingen
Classification: Likely benign. Last evaluated: 2024-03-01. Review status: criteria provided, single submitter. Criteria: CeGaT Center For Human Genetics Tuebingen Variant Classification Criteria Version 2. Collection method: clinical testing. Allele origin: germline. Affected: yes. Observed: 1 variant allele.
Comment: SLC25A20: PM2:Supporting, BP4, BP7

Labcorp Genetics (formerly Invitae), Labcorp
Classification: Likely benign for Carnitine acylcarnitine translocase deficiency. Last evaluated: 2022-04-25. Review status: criteria provided, single submitter. Criteria: Invitae Variant Classification Sherloc (09022015). Collection method: clinical testing. Allele origin: germline.

NM_000387.6(SLC25A20):c.306A>G (p.Lys102=)

Gene: SLC25A20 (solute carrier family 25 member 20; minus strand). Cytogenetic location: 3p21.31.
Variant type: single nucleotide variant.
Coding change: c.306A>G on transcript NM_000387.6 (MANE Select); coding-DNA position 306, A replaced by G.
Protein change: p.Lys102=; no amino-acid change (lysine 102 retained).
Molecular consequence: synonymous variant.
Genome position (GRCh38, 1-based): chr3:48,884,017, T>C on the plus strand (A>G on the coding strand, the complement: SLC25A20 is on the minus strand). VCF-style: chr3-48884017-T-C. GRCh37 (hg19) VCF-style: chr3-48921450-T-C.
Identifiers: ClinVar variation 2064019 (VCV002064019.25), dbSNP rs2470603546, ClinGen allele CA433531330.